The following is an entry in ClinVar:

ClinVar aggregate classification (germline): Uncertain significance (1 of 4 stars; one submission).

Conditions:
Combined immunodeficiency with skin granulomas. Identifiers: Orphanet 157949, MedGen C2673536, MONDO:0009306, OMIM 233650.
Severe combined immunodeficiency, autosomal recessive, T cell-negative, B cell-negative, NK cell-positive. Also called: SCID, T CELL-NEGATIVE, B CELL-NEGATIVE, NK CELL-POSITIVE; SCID, AR, T-cell negative, B-cell negative, NK cell-positive; Severe combined immunodeficiency due to complete RAG1/2 deficiency. Identifiers: Orphanet 331206, MedGen C1832322, MONDO:0011086, OMIM 601457.

Submission:

Labcorp Genetics (formerly Invitae), Labcorp
Classification: Uncertain significance for Combined immunodeficiency with skin granulomas; Severe combined immunodeficiency, autosomal recessive, T cell-negative, B cell-negative, NK cell-positive. Last evaluated: 2025-07-07. Review status: criteria provided, single submitter. Criteria: Invitae Variant Classification Sherloc (09022015). Collection method: clinical testing. Allele origin: germline.
Comment: This sequence change replaces alanine, which is neutral and non-polar, with aspartic acid, which is acidic and polar, at codon 190 of the RAG1 protein (p.Ala190Asp). This variant is not present in population databases (gnomAD no frequency). This variant has not been reported in the literature in individuals affected with RAG1-related conditions. ClinVar contains an entry for this variant (Variation ID: 1407232). Invitae Evidence Modeling of protein sequence and biophysical properties (such as structural, functional, and spatial information, amino acid conservation, physicochemical variation, residue mobility, and thermodynamic stability) indicates that this missense variant is not expected to disrupt RAG1 protein function with a negative predictive value of 80%. In summary, the available evidence is currently insufficient to determine the role of this variant in disease. Therefore, it has been classified as a Variant of Uncertain Significance.

NM_000448.3(RAG1):c.569C>A (p.Ala190Asp)

Gene: RAG1 (recombination activating 1; plus strand). Cytogenetic location: 11p12.
Variant type: single nucleotide variant.
Coding change: c.569C>A on transcript NM_000448.3 (MANE Select); coding-DNA position 569, C replaced by A.
Protein change: p.Ala190Asp; replaces alanine 190 with aspartic acid.
Molecular consequence: missense variant.
Genome position (GRCh38, 1-based): chr11:36,573,873, C>A. VCF-style: chr11-36573873-C-A. GRCh37 (hg19) VCF-style: chr11-36595423-C-A.
Other names: c.569C>A, p.Ala190Asp (NM_001377277.1, NM_001377278.1, NM_001377279.1 and 1 more transcripts); short protein forms A190D.
Identifiers: ClinVar variation 1407232 (VCV001407232.8), dbSNP rs2133293827, ClinGen allele CA380146973.